The following is an entry in ClinVar:

NM_001046.3(SLC12A2):c.3117A>G (p.Ile1039Met)

Gene: SLC12A2 (solute carrier family 12 member 2; plus strand). Cytogenetic location: 5q23.3.
Variant type: single nucleotide variant.
Coding change: c.3117A>G on transcript NM_001046.3 (MANE Select); coding-DNA position 3117, A replaced by G.
Protein change: p.Ile1039Met; replaces isoleucine 1039 with methionine.
Molecular consequence: missense variant. On other transcripts: non-coding transcript variant (1).
Genome position (GRCh38, 1-based): chr5:128,180,899, A>G. VCF-style: chr5-128180899-A-G. GRCh37 (hg19) VCF-style: chr5-127516591-A-G.
Other names: c.3069A>G, p.Ile1023Met (NM_001256461.2); short protein forms I1023M, I1039M.
Identifiers: ClinVar variation 4764430 (VCV004764430.1).

ClinVar aggregate classification (germline): Uncertain significance (1 of 4 stars; one submission).

gnomAD v4.1: 13 of 1,599,340 alleles (0.00081%); highest among the groups gnomAD compares: Non-Finnish European, 0.00017%; no homozygotes.

Submission:

Labcorp Genetics (formerly Invitae), Labcorp
Classification: Uncertain significance. Last evaluated: 2025-04-06. Review status: criteria provided, single submitter. Criteria: Invitae Variant Classification Sherloc (09022015). Collection method: clinical testing. Allele origin: germline.
Comment: This sequence change replaces isoleucine, which is neutral and non-polar, with methionine, which is neutral and non-polar, at codon 1039 of the SLC12A2 protein (p.Ile1039Met). This variant is present in population databases (rs778522688, gnomAD 0.04%). This variant has not been reported in the literature in individuals affected with SLC12A2-related conditions. Invitae Evidence Modeling of protein sequence and biophysical properties (such as structural, functional, and spatial information, amino acid conservation, physicochemical variation, residue mobility, and thermodynamic stability) indicates that this missense variant is not expected to disrupt SLC12A2 protein function with a negative predictive value of 80%. In summary, the available evidence is currently insufficient to determine the role of this variant in disease. Therefore, it has been classified as a Variant of Uncertain Significance.